The following is an entry in ClinVar:

NC_012920.1(MT-ND5):m.12458C>T

Gene: MT-ND5 (mitochondrially encoded NADH dehydrogenase 5; plus strand).
Variant type: single nucleotide variant.
Genome position: chrM-12458-C-T.
Identifiers: ClinVar variation 693449 (VCV000693449.1), dbSNP rs1603223755, ClinGen allele CA414813253.

ClinVar aggregate classification (germline): Uncertain significance (1 of 4 stars; one submission).

Conditions:
Leigh syndrome (NULS). Also called: Leigh's necrotizing encephalopathy; Leigh's disease; Leigh Syndrome (mtDNA deletion); Leigh Disease; Subacute necrotizing encephalopathy; Necrotizing encephalopathy infantile subacute of Leigh. Identifiers: Orphanet 506, MedGen C2931891, MONDO:0009723, OMIM 256000.

Submission:

Wong Mito Lab, Molecular and Human Genetics, Baylor College of Medicine
Classification: Uncertain significance for Leigh syndrome. Last evaluated: 2019-10-17. Review status: criteria provided, single submitter. Criteria: Modified ACMG Guidelines (Unpublished). Collection method: clinical testing. Allele origin: germline.
Comment: The NC_012920.1:m.12458C>T (YP_003024036.1:p.Ala41Val) variant in MTND5 gene is interpretated to be a Uncertain Significance variant based on the modified ACMG guidelines (unpublished). This variant meets the following evidence codes: PP7, BP4